The following is an entry in ClinVar:

NM_017636.4(TRPM4):c.449-13G>A

Gene: TRPM4 (transient receptor potential cation channel subfamily M member 4; plus strand). Cytogenetic location: 19q13.33.
Variant type: single nucleotide variant.
Coding change: c.449-13G>A on transcript NM_017636.4 (MANE Select); 13 bases into the intron before coding-DNA position 449, G replaced by A.
Molecular consequence: intron variant.
Genome position (GRCh38, 1-based): chr19:49,168,247, G>A. VCF-style: chr19-49168247-G-A. GRCh37 (hg19) VCF-style: chr19-49671504-G-A.
Other names: c.449-13G>A (NM_001195227.2); c.-1105-13G>A (NM_001321282.2); c.268-306G>A (NM_001321281.2); c.-74-13G>A (NM_001321283.2); c.-237-306G>A (NM_001321285.2).
Identifiers: ClinVar variation 2077805 (VCV002077805.4), dbSNP rs759765802, ClinGen allele CA9568833.

ClinVar aggregate classification (germline): Uncertain significance (1 of 4 stars; one submission).

Conditions:
Progressive familial heart block type IB (PFHB1B). Identifiers: Orphanet 871, MedGen C1970298, MONDO:0011474, OMIM 604559.

Allele frequency attached by ClinVar (database versions not stated): gnomAD 0.00001; TOPMed 0.00001; ExAC 0.00001.
gnomAD v4.1: 5 of 1,613,874 alleles (0.00031%); highest among the groups gnomAD compares: South Asian, 0.0022%; no homozygotes.

Submission:

Labcorp Genetics (formerly Invitae), Labcorp
Classification: Uncertain significance for Progressive familial heart block type IB. Last evaluated: 2023-01-14. Review status: criteria provided, single submitter. Criteria: Invitae Variant Classification Sherloc (09022015). Collection method: clinical testing. Allele origin: germline.
Comment: In summary, the available evidence is currently insufficient to determine the role of this variant in disease. Therefore, it has been classified as a Variant of Uncertain Significance. Algorithms developed to predict the effect of sequence changes on RNA splicing suggest that this variant may disrupt the consensus splice site. This variant has not been reported in the literature in individuals affected with TRPM4-related conditions. This variant is present in population databases (rs759765802, gnomAD 0.006%). This sequence change falls in intron 4 of the TRPM4 gene. It does not directly change the encoded amino acid sequence of the TRPM4 protein.